The following is an entry in ClinVar:

ClinVar aggregate classification (germline): Conflicting classifications of pathogenicity. Review status: criteria provided, conflicting classifications (1 of 4 stars). 2 submissions from 2 submitters: Uncertain significance (1); Likely benign (1). Last evaluated 2024-09-25.

Conditions:
Combined immunodeficiency due to LRBA deficiency. Also called: Common variable immunodeficiency 8, with autoimmunity. Identifiers: Orphanet 445018, MedGen C3553512, MONDO:0013863, OMIM 614700.

gnomAD v4.1: 3 of 1,604,424 alleles (0.00019%); highest among the groups gnomAD compares: Non-Finnish European, 0.00026%; no homozygotes.

Submissions (2):

Blueprint Genetics
Classification: Likely benign. Last evaluated: 2024-09-25. Review status: criteria provided, single submitter. Criteria: ACMG Guidelines, 2015. Collection method: clinical testing. Allele origin: germline.

Labcorp Genetics (formerly Invitae), Labcorp
Classification: Uncertain significance for Combined immunodeficiency due to LRBA deficiency. Last evaluated: 2022-08-21. Review status: criteria provided, single submitter. Criteria: Invitae Variant Classification Sherloc (09022015). Collection method: clinical testing. Allele origin: germline.
Comment: This sequence change falls in intron 4 of the LRBA gene. It does not directly change the encoded amino acid sequence of the LRBA protein. It affects a nucleotide within the consensus splice site. This variant is present in population databases (rs199594598, gnomAD 0.002%). This variant has not been reported in the literature in individuals affected with LRBA-related conditions. Variants that disrupt the consensus splice site are a relatively common cause of aberrant splicing (PMID: 17576681, 9536098). Algorithms developed to predict the effect of sequence changes on RNA splicing suggest that this variant is not likely to affect RNA splicing. In summary, the available evidence is currently insufficient to determine the role of this variant in disease. Therefore, it has been classified as a Variant of Uncertain Significance.

Literature cited by the submitters: PubMed 17576681 (cited by Labcorp Genetics (formerly Invitae), Labcorp); PubMed 9536098 (cited by Labcorp Genetics (formerly Invitae), Labcorp).

NM_001364905.1(LRBA):c.549+6A>G

Gene: LRBA (LPS responsive beige-like anchor protein; minus strand). Cytogenetic location: 4q31.3.
Variant type: single nucleotide variant.
Coding change: c.549+6A>G on transcript NM_001364905.1 (MANE Select); 6 bases into the intron after coding-DNA position 549, A replaced by G.
Molecular consequence: intron variant.
Genome position (GRCh38, 1-based): chr4:150,928,510, T>C on the plus strand (A>G on the coding strand, the complement: LRBA is on the minus strand). VCF-style: chr4-150928510-T-C. GRCh37 (hg19) VCF-style: chr4-151849662-T-C.
Other names: c.549+6A>G (NM_001367550.1, NM_006726.5, NM_001199282.3 and 2 more transcripts).
Identifiers: ClinVar variation 2046030 (VCV002046030.2), dbSNP rs199594598, ClinGen allele CA3103838.